The following is an entry in ClinVar:

ClinVar aggregate classification (germline): Uncertain significance. Review status: criteria provided, multiple submitters, no conflicts (2 of 4 stars). 4 submissions from 4 submitters: Uncertain significance (4). Last evaluated 2025-12-18.

Conditions:
Hereditary cancer-predisposing syndrome. Also called: Neoplastic Syndromes, Hereditary; Hereditary Cancer Syndrome; Hereditary neoplastic syndrome; Tumor predisposition. Identifiers: Orphanet 140162, MedGen C0027672, MeSH D009386, MONDO:0015356.
POLE-related disorder. Also called: POLE-related disorders; POLE-related condition.

Allele frequency attached by ClinVar (database versions not stated): ExAC 0.00002; TOPMed 0.00002; gnomAD 0.00003 and 0.00004; gnomAD exomes 0.00005 and 0.00007; 1000 Genomes Project 30x 0.00016; 1000 Genomes Project 0.00020.
gnomAD v4.1: 111 of 1,613,426 alleles (0.0069%); highest among the groups gnomAD compares: South Asian, 0.0088%; no homozygotes.

Submissions (4):

Labcorp Genetics (formerly Invitae), Labcorp
Classification: Uncertain significance. Last evaluated: 2025-12-18. Review status: criteria provided, single submitter. Criteria: Invitae Variant Classification Sherloc (09022015). Collection method: clinical testing. Allele origin: germline.
Comment: This sequence change replaces arginine, which is basic and polar, with glutamine, which is neutral and polar, at codon 1580 of the POLE protein (p.Arg1580Gln). This variant is present in population databases (rs201950040, gnomAD 0.01%). This variant has not been reported in the literature in individuals affected with POLE-related conditions. ClinVar contains an entry for this variant (Variation ID: 540738). Invitae Evidence Modeling of protein sequence and biophysical properties (such as structural, functional, and spatial information, amino acid conservation, physicochemical variation, residue mobility, and thermodynamic stability) indicates that this missense variant is not expected to disrupt POLE protein function with a negative predictive value of 80%. In summary, the available evidence is currently insufficient to determine the role of this variant in disease. Therefore, it has been classified as a Variant of Uncertain Significance.

Ambry Genetics
Classification: Uncertain significance for Hereditary cancer-predisposing syndrome. Last evaluated: 2025-02-19. Review status: criteria provided, single submitter. Criteria: Ambry Variant Classification Scheme 2023. Collection method: clinical testing. Allele origin: germline.
Comment: The p.R1580Q variant (also known as c.4739G>A), located in coding exon 37 of the POLE gene, results from a G to A substitution at nucleotide position 4739. The arginine at codon 1580 is replaced by glutamine, an amino acid with highly similar properties. This amino acid position is highly conserved in available vertebrate species. In addition, the in silico prediction for this alteration is inconclusive. Based on the available evidence, the clinical significance of this variant remains unclear.

GeneDx
Classification: Uncertain significance. Last evaluated: 2023-03-30. Review status: criteria provided, single submitter. Criteria: GeneDx Variant Classification Process June 2021. Collection method: clinical testing. Allele origin: germline. Affected: yes.
Comment: In silico analysis supports that this missense variant does not alter protein structure/function; Has not been previously published as pathogenic or benign to our knowledge

PreventionGenetics, part of Exact Sciences
Classification: Uncertain significance for POLE-related condition. Last evaluated: 2022-12-27. Review status: criteria provided, single submitter. Criteria: ACMG Guidelines, 2015. Collection method: clinical testing. Allele origin: germline.
Comment: The POLE c.4739G>A variant is predicted to result in the amino acid substitution p.Arg1580Gln. To our knowledge, this variant has not been reported in the literature. This variant is reported in 0.011% of alleles in individuals of East Asian descent in gnomAD and is interpreted as uncertain significance in ClinVar. At this time, the clinical significance of this variant is uncertain due to the absence of conclusive functional and genetic evidence.

NM_006231.4(POLE):c.4739G>A (p.Arg1580Gln)

Gene: POLE (DNA polymerase epsilon, catalytic subunit; minus strand). Cytogenetic location: 12q24.33.
Variant type: single nucleotide variant.
Coding change: c.4739G>A on transcript NM_006231.4 (MANE Select); coding-DNA position 4739, G replaced by A.
Protein change: p.Arg1580Gln; replaces arginine 1580 with glutamine.
Molecular consequence: missense variant.
Genome position (GRCh38, 1-based): chr12:132,642,719, C>T on the plus strand (G>A on the coding strand, the complement: POLE is on the minus strand). VCF-style: chr12-132642719-C-T. GRCh37 (hg19) VCF-style: chr12-133219305-C-T.
Other names: short protein forms R1580Q.
Identifiers: ClinVar variation 540738 (VCV000540738.14), dbSNP rs201950040, ClinGen allele CA6892721.